The following is an entry in ClinVar:

NM_001927.4(DES):c.*308C>A

Gene: DES (desmin; plus strand). Cytogenetic location: 2q35.
Variant type: single nucleotide variant.
Coding change: c.*308C>A on transcript NM_001927.4 (MANE Select); 308 bases downstream of the stop codon, C replaced by A.
Molecular consequence: 3 prime UTR variant.
Genome position (GRCh38, 1-based): chr2:219,426,298, C>A. VCF-style: chr2-219426298-C-A. GRCh37 (hg19) VCF-style: chr2-220291020-C-A.
Identifiers: ClinVar variation 897464 (VCV000897464.5), dbSNP rs140222667, ClinGen allele CA65987447.
Genomic context (GRCh38, chr2:219,426,298, plus strand): 5'-AGCCTGGCTCTTGTGCTGGATGGAGCCCAGGCGGGAGCGGTGGCCCTGTCCCTCCCACCT[C>A]TGTGACCTCAGGCACTAGCCTTTGGCTCTGGAGACAGCCCCAGAGCAGGGTGTTGGGATA-3'

ClinVar aggregate classification (germline): Conflicting classifications of pathogenicity. Review status: criteria provided, conflicting classifications (1 of 4 stars). 3 submissions from 1 submitter: Uncertain significance (1); Benign (2). Last evaluated 2018-01-12.

Conditions:
Desmin-related myofibrillar myopathy (MFM1). Also called: Desminopathy; Desmin related myopathy (former name); Desmin storage myopathy (former name); MYOFIBRILLAR MYOPATHY WITH ARRHYTHMOGENIC RIGHT VENTRICULAR CARDIOMYOPATHY; DESMIN-RELATED MYOPATHY WITH ARRHYTHMOGENIC RIGHT VENTRICULAR CARDIOMYOPATHY; Myofibrillar myopathy 1. Identifiers: Orphanet 363543, Orphanet 98909, MedGen C1832370, MONDO:0011076, OMIM 601419.
Neurogenic scapuloperoneal syndrome, Kaeser type (SCPNK). Also called: KAESER SYNDROME. Identifiers: Orphanet 85146, MedGen C1867005, MONDO:0008407, OMIM 181400.
Dilated cardiomyopathy 1I (CMD1I). Identifiers: Orphanet 154, MedGen C1858154, MONDO:0011482, OMIM 604765.

Allele frequency attached by ClinVar (database versions not stated): gnomAD exomes 0.00026; gnomAD 0.00217 and 0.00235; TOPMed 0.00217; 1000 Genomes Project 30x 0.00281; 1000 Genomes Project 0.00300.
gnomAD v4.1: 433 of 543,470 alleles (0.08%); highest among the groups gnomAD compares: African/African-American, 0.75%; 1 homozygote.

Submissions (3):

Illumina Laboratory Services, Illumina
Classification: Benign for Neurogenic scapuloperoneal syndrome, Kaeser type. Last evaluated: 2018-01-12. Review status: criteria provided, single submitter. Criteria: ICSL Variant Classification Criteria 13 December 2019. Collection method: clinical testing. Allele origin: germline.
Comment: This variant was observed in the ICSL laboratory as part of a predisposition screen in an ostensibly healthy population. It had not been previously curated by ICSL or reported in the Human Gene Mutation Database (HGMD: prior to June 1st, 2018), and was therefore a candidate for classification through an automated scoring system. Utilizing variant allele frequency, disease prevalence and penetrance estimates, and inheritance mode, an automated score was calculated to assess if this variant is too frequent to cause the disease. Based on the score and internal cut-off values, a variant classified as benign is not then subjected to further curation. The score for this variant resulted in a classification of benign for this disease.

Illumina Laboratory Services, Illumina
Classification: Uncertain significance for Dilated cardiomyopathy 1I. Last evaluated: 2018-01-12. Review status: criteria provided, single submitter. Criteria: ICSL Variant Classification Criteria 13 December 2019. Collection method: clinical testing. Allele origin: germline.

Illumina Laboratory Services, Illumina
Classification: Benign for Desmin-related myofibrillar myopathy. Last evaluated: 2018-01-12. Review status: criteria provided, single submitter. Criteria: ICSL Variant Classification Criteria 13 December 2019. Collection method: clinical testing. Allele origin: germline.
Comment: the same text as in the submission from Illumina Laboratory Services, Illumina above.